The following is an entry in ClinVar:

ClinVar aggregate classification (germline): Uncertain significance. Review status: criteria provided, multiple submitters, no conflicts (2 of 4 stars). 2 submissions from 2 submitters: Uncertain significance (2). Last evaluated 2025-01-13.

Conditions:
Hereditary cancer-predisposing syndrome. Also called: Hereditary Cancer Syndrome; Neoplastic Syndromes, Hereditary; Tumor predisposition; Hereditary neoplastic syndrome. Identifiers: Orphanet 140162, MedGen C0027672, MeSH D009386, MONDO:0015356.
Ataxia-telangiectasia syndrome (AT). Also called: Cerebello-oculocutaneous telangiectasia; Immunodeficiency with ataxia telangiectasia; Ataxia-telangiectasia, complementation group E; Ataxia-telangiectasia, complementation group D; AT, COMPLEMENTATION GROUP C; ATAXIA-TELANGIECTASIA, COMPLEMENTATION GROUP A. Identifiers: Orphanet 100, MedGen C0004135, MONDO:0008840, OMIM 208900.

Submissions (2):

Labcorp Genetics (formerly Invitae), Labcorp
Classification: Uncertain significance for Ataxia-telangiectasia syndrome. Last evaluated: 2025-01-13. Review status: criteria provided, single submitter. Criteria: Invitae Variant Classification Sherloc (09022015). Collection method: clinical testing. Allele origin: germline.
Comment: This variant, c.5986_5988del, results in the deletion of 1 amino acid(s) of the ATM protein (p.Glu1996del), but otherwise preserves the integrity of the reading frame. This variant is not present in population databases (gnomAD no frequency). This variant has not been reported in the literature in individuals affected with ATM-related conditions. Experimental studies and prediction algorithms are not available or were not evaluated, and the functional significance of this variant is currently unknown. Algorithms developed to predict the effect of sequence changes on RNA splicing suggest that this variant may disrupt the consensus splice site. In summary, the available evidence is currently insufficient to determine the role of this variant in disease. Therefore, it has been classified as a Variant of Uncertain Significance.

Ambry Genetics
Classification: Uncertain significance for Hereditary cancer-predisposing syndrome. Last evaluated: 2023-12-07. Review status: criteria provided, single submitter. Criteria: Ambry Variant Classification Scheme 2023. Collection method: clinical testing. Allele origin: germline.
Comment: The c.5986_5988delGAA variant (also known as p.E1996del) is located in coding exon 39 of the ATM gene. This variant results from an in-frame GAA deletion at nucleotide positions 5986 to 5988. This results in the in-frame deletion of a glutamic acid at codon 1996. This amino acid position is well conserved in available vertebrate species. In addition, the in silico prediction for this alteration is inconclusive (Choi Y et al. PLoS ONE. 2012; 7(10):e46688). Since supporting evidence is limited at this time, the clinical significance of this alteration remains unclear.

NM_000051.4(ATM):c.5983GAA[1] (p.Glu1996del)

Genes: ATM (ATM serine/threonine kinase; plus strand), C11orf65 (chromosome 11 open reading frame 65; minus strand). Cytogenetic location: 11q22.3.
Variant type: Microsatellite.
Coding change: c.5983GAA[1] on transcript NM_000051.4 (MANE Select); one copy of the 3-base unit GAA starting at c.5983; the reference has two copies in a row; one copy, 3 bases deleted.
Protein change: p.Glu1996del; deletes glutamic acid 1996.
Molecular consequence: inframe deletion. On other transcripts: intron variant (2), inframe indel (1).
Genome position (GRCh38, 1-based): chr11:108,312,478-108,312,480, GAA deleted; deleting any 3 consecutive bases within chr11:108,312,473-108,312,480 gives the same sequence; the position shown is the placement nearest the transcript's 3' end. VCF-style (leftmost placement, unchanged base first): chr11-108312472-AAAG-A. GRCh37 (hg19) VCF-style: chr11-108183199-AAAG-A.
Other names: c.5983GAA[1], p.Glu1996del (NM_001351834.2); c.641-3404_641-3402del (NM_001330368.2); c.*39-3404_*39-3402del (NM_001351110.2); c.5986_5988delGAA (NM_000051.3); short protein forms E1996del.
Identifiers: ClinVar variation 524313 (VCV000524313.11), dbSNP rs1555111872, ClinGen allele CA658797725.